The following is an entry in ClinVar:

NM_000484.4(APP):c.2137G>A (p.Ala713Thr)

Gene: APP (amyloid beta precursor protein; minus strand). Cytogenetic location: 21q21.3.
Variant type: single nucleotide variant.
Coding change: c.2137G>A on transcript NM_000484.4 (MANE Select); coding-DNA position 2137, G replaced by A.
Protein change: p.Ala713Thr; replaces alanine 713 with threonine.
Molecular consequence: missense variant.
Genome position (GRCh38, 1-based): chr21:25,891,796, C>T on the plus strand (G>A on the coding strand, the complement: APP is on the minus strand). VCF-style: chr21-25891796-C-T. GRCh37 (hg19) VCF-style: chr21-27264108-C-T.
Other names: c.2065G>A, p.Ala689Thr (NM_001136016.3); c.1744G>A, p.Ala582Thr (NM_001136129.3); c.1969G>A, p.Ala657Thr (NM_001136130.3, NM_001385253.1); c.1807G>A, p.Ala603Thr (NM_001136131.3); c.2083G>A, p.Ala695Thr (NM_001204301.2); c.2026G>A, p.Ala676Thr (NM_001204302.2); c.1858G>A, p.Ala620Thr (NM_001204303.2); c.2080G>A, p.Ala694Thr (NM_201413.3); and 1 more; short protein forms A713T, A620T, A657T, A676T, A694T, A582T, A603T, A638T.
Identifiers: ClinVar variation 18094 (VCV000018094.22), dbSNP rs63750066, ClinGen allele CA090906.

ClinVar aggregate classification (germline): Likely pathogenic. Review status: criteria provided, multiple submitters, no conflicts (2 of 4 stars). 10 submissions from 10 submitters: Likely pathogenic (8). 2 of the submissions do not count toward it. Last evaluated 2026-09-25.

Conditions:
Primary degenerative dementia of the Alzheimer type, presenile onset. Also called: Early-onset Alzheimer's disease; Alzheimer disease, early onset. Identifiers: MedGen C5779573.
APP-related disorder. Also called: APP-related condition.
Cerebral amyloid angiopathy, APP-related. Also called: AMYLOIDOSIS, CEREBROARTERIAL, APP-RELATED; Cerebral amyloid angiopathy, Dutch, Italian, Iowa, Flemish, Arctic variants. Identifiers: Orphanet 100006, Orphanet 324703, Orphanet 324708, Orphanet 324713, Orphanet 324718, Orphanet 324723, Orphanet 85458, MedGen C2751536, MONDO:0011583, OMIM 605714.
Alzheimer disease type 1 (AD1). Also called: ALZHEIMER DISEASE, FAMILIAL, 1; ALZHEIMER DISEASE, FAMILIAL, 1, AUTOSOMAL RECESSIVE. Identifiers: MedGen C1863052, MONDO:0007088, OMIM 104300.
Alzheimer disease. Also called: Presenile and senile dementia; Alzheimer's disease. Identifiers: Orphanet 1020, MedGen C0002395, MeSH D000544, MONDO:0004975, HP:0002511.

Allele frequency attached by ClinVar (database versions not stated): TOPMed 0.00004; ExAC 0.00006; gnomAD 0.00006; gnomAD exomes 0.00004 and 0.00010; 1000 Genomes Project 0.00020; 1000 Genomes Project 30x 0.00031.
gnomAD v4.1: 73 of 1,614,146 alleles (0.0045%); highest among the groups gnomAD compares: Admixed American, 0.045%; no homozygotes.

Submissions 1 to 6 of 10:

PreventionGenetics, part of Exact Sciences
Classification: Likely pathogenic for APP-related condition. Last evaluated: 2026-09-25. Review status: criteria provided, single submitter. Criteria: ACMG Guidelines, 2015. Collection method: clinical testing. Allele origin: germline.
Comment: The APP c.2137G>A variant is predicted to result in the amino acid substitution p.Ala713Thr. This variant is located within exon 17 of the APP gene which is a mutation hotspot and has been reported in multiple unrelated patients with early onset Alzheimer disease but with incomplete penetrance (Koriath et al. 2018. PubMed ID: 30279455; Lanoiselée et al. 2017. PubMed ID: 28350801; Perrone et al. 2018. PubMed ID: 29859640; Barber et al. 2015. PubMed ID: 26803359; Bernardi et al. 2009. PubMed ID: 19363265). In one large family study, the c.2137G>A variant was reported in a three generational family including three affected homozygous individuals and eight heterozygous individuals. Among the heterozygous individuals, the two eldest were symptomatic whereas the other six heterozygous individuals were asymptomatic but considered high risk (Conidi et al. 2015. PubMed ID: 25948718). This variant is reported in 0.059% of alleles in individuals of Latino descent in gnomAD and has been consistently classified as likely pathogenic in ClinVar (Variation ID: 18094). This variant is interpreted as likely pathogenic.

Variantyx, Inc.
Classification: Likely pathogenic for Alzheimer disease type 1. Last evaluated: 2025-12-11. Review status: criteria provided, single submitter. Criteria: Variantyx Assertion Criteria 2022. Collection method: clinical testing. Allele origin: germline. Inheritance: Autosomal dominant inheritance. Affected: no.
Comment: This is a nonsynonymous variant in the APP gene (OMIM: 104760). Pathogenic variants in this gene have been associated with autosomal dominant familial Alzheimer disease 1. This variant has been reported in the heterozygous state in multiple unrelated affected individuals (PMID: 15488330, 19363265, 25948718, 26402770, 28350801, 30279455, 32087291, 32908482, 36133075). Functional studies have shown that this variant alters APP protein function (PMID: 32087291) (PS3_Moderate), and multiple computational algorithms predict a deleterious effect for this variant (REVEL score: 0.911) (PP3). Moreover, the variant lies within a known hotspot for pathogenic variants or a well-established critical functional domain of the APP protein (PM1). This variant has a 0.0450% maximum allele frequency in non-founder control populations. Based on the current evidence, this variant is classified as likely pathogenic for autosomal dominant familial Alzheimer disease 1.

Labcorp Genetics (formerly Invitae), Labcorp
Classification: Likely pathogenic for Alzheimer disease. Last evaluated: 2025-11-17. Review status: criteria provided, single submitter. Criteria: Invitae Variant Classification Sherloc (09022015). Collection method: clinical testing. Allele origin: germline.
Comment: This sequence change replaces alanine, which is neutral and non-polar, with threonine, which is neutral and polar, at codon 713 of the APP protein (p.Ala713Thr). This variant is present in population databases (rs63750066, gnomAD 0.06%), and has an allele count higher than expected for a pathogenic variant. This missense change has been observed in individual(s) with Alzheimer's disease and a positive family history of the disorder, although many of these individuals did not have early onset of disease. In addition, it has been reported in the heterozygous state in 2 affected individuals and the homozygous state in 3 affected individuals from a single consanguineous family (PMID: 15365148, 15488330, 19363265, 23224319, 25948718, 26803359, 28350801). It has also been observed to segregate with disease in related individuals. ClinVar contains an entry for this variant (Variation ID: 18094). Invitae Evidence Modeling of protein sequence and biophysical properties (such as structural, functional, and spatial information, amino acid conservation, physicochemical variation, residue mobility, and thermodynamic stability) indicates that this missense variant is expected to disrupt APP protein function with a positive predictive value of 95%. Experimental studies are conflicting or provide insufficient evidence to determine the effect of this variant on APP function (PMID: 29459625). In summary, the currently available evidence indicates that the variant is pathogenic, but additional data are needed to prove that conclusively. Therefore, this variant has been classified as Likely Pathogenic.

Revvity Omics, Revvity
Classification: Likely pathogenic. Last evaluated: 2024-10-24. Review status: criteria provided, single submitter. Criteria: ACMG Guidelines, 2015. Collection method: clinical testing. Allele origin: germline.

Athena Diagnostics
Classification: Likely pathogenic. Last evaluated: 2024-05-15. Review status: criteria provided, single submitter. Criteria: Athena Diagnostics Criteria. Collection method: clinical testing. Allele origin: unknown.
Comment: While the frequency of this variant in the general population is higher than would generally be expected for pathogenic variants in this gene, it is statistically more frequent in affected individuals than in the general population and/or healthy controls (Genome Aggregation Database (gnomAD), Cambridge, MA (URL), PMID: 1303275, 19363265, 26803359, 29859640, 30279455, 32917274). This variant has been identified in at least one individual with clinical features associated with this gene. This variant associates with disease in multiple families. Assessment of experimental evidence suggests this variant results in abnormal protein function. (PMID: 29459625, 32087291)

Women's Health and Genetics/Laboratory Corporation of America, LabCorp
Classification: Likely pathogenic for Alzheimer disease. Last evaluated: 2023-12-01. Review status: criteria provided, single submitter. Criteria: LabCorp Variant Classification Summary - May 2015. Collection method: clinical testing. Allele origin: germline.
Comment: Variant summary: APP c.2137G>A (p.Ala713Thr) results in a non-conservative amino acid change located in the Amyloidogenic glycoprotein, amyloid-beta peptide (IPR013803) of the encoded protein sequence. Five of five in-silico tools predict a damaging effect of the variant on protein function. The variant allele was found at a frequency of 9.5e-05 in 251384 control chromosomes with 24 heterozygotes in GnomAD. c.2137G>A has been reported in the literature in multiple individuals affected with Autosomal dominant Alzheimer Disease and/or cerebrovascular lesion (examples, Carter_1992, Rossi_2004, Armstrong_2004, Bernardi_2009, Moro_2012, Pera_2013, Conidi_2014, Barber_2016, Lanoiselee_2017). Most of patients had a family history of Alzheimer Disease, and the clinical presentation featured with a progressive cognitive decline with a wide range of onset ages (49 to 85 years-old). Particularly, the variant was reported at a homozygous state in 3 patients from a consanguineous family with Alzheimer Disease and cerebrovascular lesion, and the clinical outcome and disease onset were not different from the heterozygous carriers from the same family (Conidi_2014). These data indicate that the variant is likely to be associated with disease. At least one publication reports experimental evidence evaluating an impact on protein function, which suggest this variant resulted in a significant increase in the Beta amyloid 42/40 ratio compared with WT in N2A cells via ELISA, the total amount of Beta amyloid was however reduced (Hsu_2020). Such results does not allow convincing conclusions about the variant effect. The following publications have been ascertained in the context of this evaluation (PMID: 15488330, 24278680, 19363265, 1303275, 25948718, 32087291, 28350801, 23143229, 23224319, 15365148). Four submitters have cited clinical-significance assessments for this variant to ClinVar after 2014 (Likely pathogenic, n=3, VUS, n=1). Based on the evidence outlined above, the variant was classified as likely pathogenic.